The following is an entry in ClinVar:

NM_000875.5(IGF1R):c.190A>G (p.Ile64Val)

Gene: IGF1R (insulin like growth factor 1 receptor; plus strand). Cytogenetic location: 15q26.3.
Variant type: single nucleotide variant.
Coding change: c.190A>G on transcript NM_000875.5 (MANE Select); coding-DNA position 190, A replaced by G.
Protein change: p.Ile64Val; replaces isoleucine 64 with valine.
Molecular consequence: missense variant.
Genome position (GRCh38, 1-based): chr15:98,707,657, A>G. VCF-style: chr15-98707657-A-G. GRCh37 (hg19) VCF-style: chr15-99250886-A-G.
Other names: c.190A>G, p.Ile64Val (NM_001291858.2); short protein forms I64V.
Identifiers: ClinVar variation 1695701 (VCV001695701.2), dbSNP rs372975602, ClinGen allele CA7751758.

ClinVar aggregate classification (germline): Uncertain significance (1 of 4 stars; one submission).

Allele frequency attached by ClinVar (database versions not stated): gnomAD exomes below 0.00001; TOPMed below 0.00001; ExAC 0.00001; gnomAD 0.00001; ESP Exome Variant Server 0.00008.

Submission:

GeneDx
Classification: Uncertain significance. Last evaluated: 2022-01-11. Review status: criteria provided, single submitter. Criteria: GeneDx Variant Classification Process June 2021. Collection method: clinical testing. Allele origin: germline. Affected: yes.
Comment: Has not been previously published as pathogenic or benign to our knowledge; Not observed at significant frequency in large population cohorts (gnomAD); In silico analysis supports that this missense variant does not alter protein structure/function